The following is an entry in ClinVar:

ClinVar aggregate classification (germline): Uncertain significance. Review status: criteria provided, multiple submitters, no conflicts (2 of 4 stars). 3 submissions from 3 submitters: Uncertain significance (2). 1 of the submissions does not count toward it. Last evaluated 2025-12-28.

Conditions:
Immunodeficiency 132b. Identifiers: MedGen C6012695, OMIM 621096, MONDO:0976228.
Multisystem inflammatory syndrome in children. Identifiers: MedGen C5391534.
Immunodeficiency 132A. Also called: Herpes simplex encephalitis, susceptibility to, 3. Identifiers: Orphanet 1930, MedGen C3553868, MONDO:0013920, OMIM 614849.

Allele frequency attached by ClinVar (database versions not stated): gnomAD exomes 0.00008 and 0.00004; gnomAD 0.00003 and 0.00001; 1000 Genomes Project 0.00020; ExAC 0.00010; 1000 Genomes Project 30x 0.00016; TOPMed 0.00001.
gnomAD v4.1: 59 of 1,614,106 alleles (0.0037%); highest among the groups gnomAD compares: South Asian, 0.041%; no homozygotes.

Submissions (3):

Labcorp Genetics (formerly Invitae), Labcorp
Classification: Uncertain significance for Immunodeficiency 132A. Last evaluated: 2025-12-28. Review status: criteria provided, single submitter. Criteria: Invitae Variant Classification Sherloc (09022015). Collection method: clinical testing. Allele origin: germline.
Comment: This sequence change replaces alanine, which is neutral and non-polar, with threonine, which is neutral and polar, at codon 371 of the TRAF3 protein (p.Ala371Thr). This variant is present in population databases (rs551555655, gnomAD 0.05%), and has an allele count higher than expected for a pathogenic variant. This variant has not been reported in the literature in individuals affected with TRAF3-related conditions. ClinVar contains an entry for this variant (Variation ID: 1321337). An algorithm developed to predict the effect of missense changes on protein structure and function (PolyPhen-2) suggests that this variant is likely to be tolerated. In summary, the available evidence is currently insufficient to determine the role of this variant in disease. Therefore, it has been classified as a Variant of Uncertain Significance.

Dasa
Classification: Uncertain significance for Immunodeficiency 132b. Last evaluated: 2025-11-21. Review status: criteria provided, single submitter. Criteria: DASA Assertion Criteria. Collection method: clinical testing. Allele origin: germline.
Comment: NM_145725.3(TRAF3):c.1111G>A (p.Ala371Thr) is a missense variant that results in the substitution of alanine with threonine. This variant is rare in population databases. Computational prediction algorithms are consistent with a benign effect. The currently available literature and clinical evidence are not sufficient to establish a definitive association between this variant and the reported condition. Therefore, this variant is classified as a variant of uncertain significance.

Dubai Health Genomic Medicine Center, Dubai Health
Classification: risk factor for Multisystem inflammatory syndrome in children. Last evaluated: 2021-11-14. Review status: no assertion criteria provided. Collection method: research. Allele origin: germline. Affected: yes. Not counted in ClinVar's aggregate classification.

NM_145725.3(TRAF3):c.1111G>A (p.Ala371Thr)

Gene: TRAF3 (TNF receptor associated factor 3; plus strand). Cytogenetic location: 14q32.32.
Variant type: single nucleotide variant.
Coding change: c.1111G>A on transcript NM_145725.3 (MANE Select); coding-DNA position 1111, G replaced by A.
Protein change: p.Ala371Thr; replaces alanine 371 with threonine.
Molecular consequence: missense variant.
Genome position (GRCh38, 1-based): chr14:102,903,405, G>A. VCF-style: chr14-102903405-G-A. GRCh37 (hg19) VCF-style: chr14-103369742-G-A.
Other names: c.862G>A, p.Ala288Thr (NM_001199427.2); c.970G>A, p.Ala324Thr (NM_001385142.1); c.1030G>A, p.Ala344Thr (NM_001385143.1); c.1111G>A, p.Ala371Thr (NM_003300.4); c.1036G>A, p.Ala346Thr (NM_145726.3); short protein forms A288T, A324T, A344T, A346T, A371T.
Identifiers: ClinVar variation 1321337 (VCV001321337.12), dbSNP rs551555655, ClinGen allele CA7359506.